The following is an entry in ClinVar:

ClinVar aggregate classification (germline): Uncertain significance (1 of 4 stars; one submission).

Conditions:
Chilton-Okur-Chung neurodevelopmental syndrome (CHOCNS). Identifiers: MedGen C5677022, MONDO:0859239, OMIM 619841.

Submission:

3billion
Classification: Uncertain significance for Chilton-Okur-Chung neurodevelopmental syndrome. Last evaluated: 2024-08-08. Review status: criteria provided, single submitter. Criteria: ACMG Guidelines, 2015. Collection method: clinical testing. Allele origin: germline. Affected: yes.
Comment: The variant is not observed in the gnomAD v4.0.0 dataset. Predicted Consequence/Location: Inframe deletion located in a nonrepeat region: predicted to change the length of the protein and disrupt normal protein function. Therefore, this variant is classified as VUS according to the recommendation of ACMG/AMP guideline.

NM_006035.4(CDC42BPB):c.2251_2256del (p.Met751_Glu752del)

Gene: CDC42BPB (CDC42 binding protein kinase beta; minus strand). Cytogenetic location: 14q32.32.
Variant type: Deletion.
Coding change: c.2251_2256del on transcript NM_006035.4 (MANE Select); coding-DNA positions 2251 to 2256, 6 bases deleted (ATGGAG; older notation c.2251_2256delATGGAG).
Protein change: p.Met751_Glu752del.
Molecular consequence: inframe deletion.
Genome position (GRCh38, 1-based): chr14:102,968,343-102,968,348, CTCCAT deleted on the plus strand (ATGGAG on the coding strand, the reverse complement: CDC42BPB is on the minus strand); deleting any 6 consecutive bases within chr14:102,968,343-102,968,351 gives the same sequence; the c. name uses the placement nearest the transcript's 3' end. VCF-style (leftmost placement, unchanged base first): chr14-102968342-CCTCCAT-C. GRCh37 (hg19) VCF-style: chr14-103434679-CCTCCAT-C.
Other names: c.2251_2256del, p.Met751_Glu752del (NM_001411054.1).
Identifiers: ClinVar variation 4293149 (VCV004293149.1).